The following is an entry in ClinVar:

ClinVar aggregate classification (germline): Uncertain significance (1 of 4 stars; one submission).

Conditions:
Fanconi anemia (FA). Also called: Fanconi's anemia. Identifiers: Orphanet 84, MedGen C0015625, MeSH D005199, MONDO:0019391.

Submission:

Labcorp Genetics (formerly Invitae), Labcorp
Classification: Uncertain significance for Fanconi anemia. Last evaluated: 2021-12-09. Review status: criteria provided, single submitter. Criteria: Invitae Variant Classification Sherloc (09022015). Collection method: clinical testing. Allele origin: germline.
Comment: Variants that disrupt the consensus splice site are a relatively common cause of aberrant splicing (PMID: 17576681, 9536098). Algorithms developed to predict the effect of sequence changes on RNA splicing suggest that this variant may disrupt the consensus splice site. In summary, the available evidence is currently insufficient to determine the role of this variant in disease. Therefore, it has been classified as a Variant of Uncertain Significance. This sequence change falls in intron 6 of the FANCC gene. It does not directly change the encoded amino acid sequence of the FANCC protein. It affects a nucleotide within the consensus splice site. This variant is not present in population databases (gnomAD no frequency). This variant has not been reported in the literature in individuals affected with FANCC-related conditions. ClinVar contains an entry for this variant (Variation ID: 656942).

Literature cited by the submitters: PubMed 17576681; PubMed 9536098.

NM_000136.3(FANCC):c.521+5G>A

Gene: FANCC (FA complementation group C; minus strand). Cytogenetic location: 9q22.32.
Variant type: single nucleotide variant.
Coding change: c.521+5G>A on transcript NM_000136.3 (MANE Select); 5 bases into the intron after coding-DNA position 521, G replaced by A.
Molecular consequence: intron variant.
Genome position (GRCh38, 1-based): chr9:95,171,074, C>T on the plus strand (G>A on the coding strand, the complement: FANCC is on the minus strand). VCF-style: chr9-95171074-C-T. GRCh37 (hg19) VCF-style: chr9-97933356-C-T.
Other names: c.521+5G>A (NM_001243743.2, NM_001243744.2).
Identifiers: ClinVar variation 656942 (VCV000656942.6), dbSNP rs1301899973, ClinGen allele CA915947036.